The following is an entry in ClinVar:

NM_000371.4(TTR):c.270A>C (p.Lys90Asn)

Gene: TTR (transthyretin; plus strand). Cytogenetic location: 18q12.1.
Variant type: single nucleotide variant.
Coding change: c.270A>C on transcript NM_000371.4 (MANE Select); coding-DNA position 270, A replaced by C.
Protein change: p.Lys90Asn; replaces lysine 90 with asparagine.
Molecular consequence: missense variant.
Genome position (GRCh38, 1-based): chr18:31,595,189, A>C. VCF-style: chr18-31595189-A-C. GRCh37 (hg19) VCF-style: chr18-29175152-A-C.
Other names: K70N; c.270A>C (NM_000371.3); short protein forms K90N.
Identifiers: ClinVar variation 13443 (VCV000013443.5), dbSNP rs267607160, ClinGen allele CA256831.

ClinVar aggregate classification (germline): Pathogenic/Likely pathogenic. Review status: criteria provided, multiple submitters, no conflicts (2 of 4 stars). 3 submissions from 3 submitters: Pathogenic (1); Likely pathogenic (1). 1 of the submissions does not count toward it. Last evaluated 2026-08-10.

Conditions:
Cardiovascular phenotype. Identifiers: MedGen CN230736.
Amyloidosis, hereditary systemic 1 (AMYLD1). Also called: Transthyretin Amyloidosis; Hereditary Transthyretin Amyloidosis; Familial amyloid polyneuropathy; AMYLOID CARDIOMYOPATHY; Hereditary oculoleptomeningeal amyloid angiopathy; Familial Transthyretin Amyloidosis. Identifiers: Orphanet 85447, Orphanet 85451, MedGen C2751492, MONDO:0971004, OMIM 105210.

Submissions (3):

Ambry Genetics
Classification: Likely pathogenic for Cardiovascular phenotype. Last evaluated: 2026-08-10. Review status: criteria provided, single submitter. Criteria: Ambry Variant Classification Scheme 2023. Collection method: clinical testing. Allele origin: germline.
Comment: The p.K90N variant (also known as c.270A>C), located in coding exon 3 of the TTR gene, results from an A to C substitution at nucleotide position 270. The lysine at codon 90 is replaced by asparagine, an amino acid with similar properties. This variant was identified in one or more individuals with features consistent with hereditary transthyretin-related amyloidosis and segregated with disease in at least one family (Izumoto S et al. Neurology, 1992 Nov;42:2094-102; Gonz&aacute;lez-Moreno J et al. Cardiol Ther, 2024 Mar;13:117-135). Note, this variant is also referred to as p.K70N in the literature. In an assay testing TTR function, this variant showed a functionally abnormal result (Palha JA et al. J Mol Med (Berl), 2001;78:703-7). This amino acid position is not well conserved in available vertebrate species. In addition, the in silico prediction for this alteration is inconclusive. This variant is considered to be rare based on population cohorts in the Genome Aggregation Database (gnomAD). Based on the majority of available evidence to date, this variant is likely to be pathogenic.

Labcorp Genetics (formerly Invitae), Labcorp
Classification: Pathogenic for Amyloidosis, hereditary systemic 1. Last evaluated: 2024-07-19. Review status: criteria provided, single submitter. Criteria: Invitae Variant Classification Sherloc (09022015). Collection method: clinical testing. Allele origin: germline.
Comment: This sequence change replaces lysine, which is basic and polar, with asparagine, which is neutral and polar, at codon 90 of the TTR protein (p.Lys90Asn). This variant is not present in population databases (gnomAD no frequency). This missense change has been observed in individual(s) with familial amyloidotic polyneuropathy (PMID: 1436517). It has also been observed to segregate with disease in related individuals. This variant is also known as Asn 70. ClinVar contains an entry for this variant (Variation ID: 13443). Advanced modeling of protein sequence and biophysical properties (such as structural, functional, and spatial information, amino acid conservation, physicochemical variation, residue mobility, and thermodynamic stability) performed at Invitae indicates that this missense variant is expected to disrupt TTR protein function with a positive predictive value of 95%. This variant disrupts the p.Lys90Gln amino acid residue in TTR. Other variant(s) that disrupt this residue have been determined to be pathogenic (Invitae). This suggests that this residue is clinically significant, and that variants that disrupt this residue are likely to be disease-causing. For these reasons, this variant has been classified as Pathogenic.

OMIM
Classification: Pathogenic for AMYLOIDOSIS, HEREDITARY SYSTEMIC 1. Last evaluated: 1992-11-01. Review status: no assertion criteria provided. Collection method: literature only. Allele origin: germline. Not counted in ClinVar's aggregate classification.

Literature cited by the submitters: PubMed 11434723 (cited by Ambry Genetics); PubMed 1436517 (cited by 3 submitters); PubMed 38117424 (cited by Ambry Genetics).